The following is an entry in ClinVar:

NM_001375567.1(FOCAD):c.4294A>G (p.Met1432Val)

Gene: FOCAD (focadhesin; plus strand). Cytogenetic location: 9p21.3.
Variant type: single nucleotide variant.
Coding change: c.4294A>G on transcript NM_001375567.1 (MANE Select); coding-DNA position 4294, A replaced by G.
Protein change: p.Met1432Val; replaces methionine 1432 with valine.
Molecular consequence: missense variant.
Genome position (GRCh38, 1-based): chr9:20,978,371, A>G. VCF-style: chr9-20978371-A-G. GRCh37 (hg19) VCF-style: chr9-20978370-A-G.
Other names: c.4189A>G, p.Met1397Val (NM_001375568.1, NM_001375570.1); c.4294A>G, p.Met1432Val (NM_017794.5); short protein forms M1397V, M1432V.
Identifiers: ClinVar variation 2298220 (VCV002298220.4), dbSNP rs1206306206, ClinGen allele CA373054870.

ClinVar aggregate classification (germline): Uncertain significance. Review status: criteria provided, multiple submitters, no conflicts (2 of 4 stars). 2 submissions from 2 submitters: Uncertain significance (2). Last evaluated 2024-02-27.

Conditions:
Inborn genetic diseases. Identifiers: MedGen C0950123, MeSH D030342.

Allele frequency attached by ClinVar (database versions not stated): TOPMed below 0.00001; gnomAD 0.00001; gnomAD exomes 0.00001.

Submissions (2):

Labcorp Genetics (formerly Invitae), Labcorp
Classification: Uncertain significance. Last evaluated: 2024-02-27. Review status: criteria provided, single submitter. Criteria: Invitae Variant Classification Sherloc (09022015). Collection method: clinical testing. Allele origin: germline.
Comment: This sequence change replaces methionine, which is neutral and non-polar, with valine, which is neutral and non-polar, at codon 1432 of the FOCAD protein (p.Met1432Val). This variant is present in population databases (no rsID available, gnomAD 0.0009%). This variant has not been reported in the literature in individuals affected with FOCAD-related conditions. ClinVar contains an entry for this variant (Variation ID: 2298220). Experimental studies and prediction algorithms are not available or were not evaluated, and the functional significance of this variant is currently unknown. In summary, the available evidence is currently insufficient to determine the role of this variant in disease. Therefore, it has been classified as a Variant of Uncertain Significance.

Ambry Genetics
Classification: Uncertain significance for Inborn genetic diseases. Last evaluated: 2022-06-28. Review status: criteria provided, single submitter. Criteria: Ambry Variant Classification Scheme 2023. Collection method: clinical testing. Allele origin: germline.